The following is an entry in ClinVar:

NM_001033561.2(PHF12):c.2210A>G (p.Asn737Ser)

Gene: PHF12 (PHD finger protein 12; minus strand). Cytogenetic location: 17q11.2.
Variant type: single nucleotide variant.
Coding change: c.2210A>G on transcript NM_001033561.2 (MANE Select); coding-DNA position 2210, A replaced by G.
Protein change: p.Asn737Ser; replaces asparagine 737 with serine.
Molecular consequence: missense variant.
Genome position (GRCh38, 1-based): chr17:28,911,117, T>C on the plus strand (A>G on the coding strand, the complement: PHF12 is on the minus strand). VCF-style: chr17-28911117-T-C. GRCh37 (hg19) VCF-style: chr17-27238135-T-C.
Other names: NC_000017.10:g.27238135T>C; c.2210A>G, p.Asn737Ser (NM_001290131.2); short protein forms N737S.
Identifiers: ClinVar variation 4419346 (VCV004419346.2).

ClinVar aggregate classification (germline): Benign (1 of 4 stars; one submission).

Submissions (31):

CeGaT Center for Human Genetics Tuebingen
Classification: Benign. Last evaluated: 2026-07-01. Review status: criteria provided, single submitter. Criteria: CeGaT Center For Human Genetics Tuebingen Variant Classification Criteria Version 2. Collection method: clinical testing. Allele origin: germline. Affected: yes. Observed: 2 variant alleles.
Comment: PHF12: BS1, BS2

Dr. Peter K. Rogan Lab, Western University
No classification provided (evidence only). Condition: Clear cell carcinoma of kidney. Review status: no classification provided. Collection method: in vitro. Allele origin: not applicable. Functional consequence: retained intron. Not counted in ClinVar's aggregate classification.

Dr. Peter K. Rogan Lab, Western University
No classification provided (evidence only). Condition: Clear cell carcinoma of kidney. Review status: no classification provided. Collection method: in vitro. Allele origin: not applicable. Functional consequence: retained intron. Not counted in ClinVar's aggregate classification.

Dr. Peter K. Rogan Lab, Western University
No classification provided (evidence only). Condition: Lung cancer. Review status: no classification provided. Collection method: in vitro. Allele origin: not applicable. Functional consequence: retained intron. Not counted in ClinVar's aggregate classification.

Dr. Peter K. Rogan Lab, Western University
No classification provided (evidence only). Condition: Lung cancer. Review status: no classification provided. Collection method: in vitro. Allele origin: not applicable. Functional consequence: retained intron. Not counted in ClinVar's aggregate classification.

Dr. Peter K. Rogan Lab, Western University
No classification provided (evidence only). Condition: Lung cancer. Review status: no classification provided. Collection method: in vitro. Allele origin: not applicable. Functional consequence: retained intron. Not counted in ClinVar's aggregate classification.

Dr. Peter K. Rogan Lab, Western University
No classification provided (evidence only). Condition: Lung cancer. Review status: no classification provided. Collection method: in vitro. Allele origin: not applicable. Functional consequence: retained intron. Not counted in ClinVar's aggregate classification.

Dr. Peter K. Rogan Lab, Western University
No classification provided (evidence only). Condition: Lung cancer. Review status: no classification provided. Collection method: in vitro. Allele origin: not applicable. Functional consequence: retained intron. Not counted in ClinVar's aggregate classification.

Dr. Peter K. Rogan Lab, Western University
No classification provided (evidence only). Condition: Lung cancer. Review status: no classification provided. Collection method: in vitro. Allele origin: not applicable. Functional consequence: retained intron. Not counted in ClinVar's aggregate classification.

Dr. Peter K. Rogan Lab, Western University
No classification provided (evidence only). Condition: Lung cancer. Review status: no classification provided. Collection method: in vitro. Allele origin: not applicable. Functional consequence: retained intron. Not counted in ClinVar's aggregate classification.

Dr. Peter K. Rogan Lab, Western University
No classification provided (evidence only). Condition: Melanoma. Review status: no classification provided. Collection method: in vitro. Allele origin: not applicable. Functional consequence: retained intron. Not counted in ClinVar's aggregate classification.

Dr. Peter K. Rogan Lab, Western University
No classification provided (evidence only). Condition: Acute myeloid leukemia. Review status: no classification provided. Collection method: in vitro. Allele origin: not applicable. Functional consequence: retained intron. Not counted in ClinVar's aggregate classification.

Dr. Peter K. Rogan Lab, Western University
No classification provided (evidence only). Condition: Colon adenocarcinoma. Review status: no classification provided. Collection method: in vitro. Allele origin: not applicable. Functional consequence: retained intron. Not counted in ClinVar's aggregate classification.

Dr. Peter K. Rogan Lab, Western University
No classification provided (evidence only). Condition: Colon adenocarcinoma. Review status: no classification provided. Collection method: in vitro. Allele origin: not applicable. Functional consequence: retained intron. Not counted in ClinVar's aggregate classification.

Dr. Peter K. Rogan Lab, Western University
No classification provided (evidence only). Condition: Thyroid cancer, nonmedullary, 1. Review status: no classification provided. Collection method: in vitro. Allele origin: not applicable. Functional consequence: skipped exon, retained intron. Not counted in ClinVar's aggregate classification.

Dr. Peter K. Rogan Lab, Western University
No classification provided (evidence only). Condition: Uterine corpus endometrial carcinoma. Review status: no classification provided. Collection method: in vitro. Allele origin: not applicable. Functional consequence: retained intron. Not counted in ClinVar's aggregate classification.

Dr. Peter K. Rogan Lab, Western University
No classification provided (evidence only). Condition: Uterine corpus endometrial carcinoma. Review status: no classification provided. Collection method: in vitro. Allele origin: not applicable. Functional consequence: retained intron. Not counted in ClinVar's aggregate classification.

Dr. Peter K. Rogan Lab, Western University
No classification provided (evidence only). Condition: Cervical cancer. Review status: no classification provided. Collection method: in vitro. Allele origin: not applicable. Functional consequence: retained intron. Not counted in ClinVar's aggregate classification.

Dr. Peter K. Rogan Lab, Western University
No classification provided (evidence only). Condition: Cervical cancer. Review status: no classification provided. Collection method: in vitro. Allele origin: not applicable. Functional consequence: retained intron. Not counted in ClinVar's aggregate classification.

Dr. Peter K. Rogan Lab, Western University
No classification provided (evidence only). Condition: Cervical cancer. Review status: no classification provided. Collection method: in vitro. Allele origin: not applicable. Functional consequence: retained intron. Not counted in ClinVar's aggregate classification.

Dr. Peter K. Rogan Lab, Western University
No classification provided (evidence only). Condition: Sarcoma. Review status: no classification provided. Collection method: in vitro. Allele origin: not applicable. Functional consequence: retained intron. Not counted in ClinVar's aggregate classification.

Dr. Peter K. Rogan Lab, Western University
No classification provided (evidence only). Condition: Thymoma. Review status: no classification provided. Collection method: in vitro. Allele origin: not applicable. Functional consequence: retained intron. Not counted in ClinVar's aggregate classification.

Dr. Peter K. Rogan Lab, Western University
No classification provided (evidence only). Condition: Ovarian serous cystadenocarcinoma. Review status: no classification provided. Collection method: in vitro. Allele origin: not applicable. Functional consequence: retained intron. Not counted in ClinVar's aggregate classification.

Dr. Peter K. Rogan Lab, Western University
No classification provided (evidence only). Condition: Ovarian serous cystadenocarcinoma. Review status: no classification provided. Collection method: in vitro. Allele origin: not applicable. Functional consequence: retained intron. Not counted in ClinVar's aggregate classification.

Dr. Peter K. Rogan Lab, Western University
No classification provided (evidence only). Condition: Ovarian serous cystadenocarcinoma. Review status: no classification provided. Collection method: in vitro. Allele origin: not applicable. Functional consequence: retained intron. Not counted in ClinVar's aggregate classification.

Dr. Peter K. Rogan Lab, Western University
No classification provided (evidence only). Condition: Gastric cancer. Review status: no classification provided. Collection method: in vitro. Allele origin: not applicable. Functional consequence: retained intron. Not counted in ClinVar's aggregate classification.

Dr. Peter K. Rogan Lab, Western University
No classification provided (evidence only). Condition: Gastric cancer. Review status: no classification provided. Collection method: in vitro. Allele origin: not applicable. Functional consequence: retained intron. Not counted in ClinVar's aggregate classification.

Dr. Peter K. Rogan Lab, Western University
No classification provided (evidence only). Condition: Gastric cancer. Review status: no classification provided. Collection method: in vitro. Allele origin: not applicable. Functional consequence: retained intron. Not counted in ClinVar's aggregate classification.

Dr. Peter K. Rogan Lab, Western University
No classification provided (evidence only). Condition: Adrenocortical carcinoma, hereditary. Review status: no classification provided. Collection method: in vitro. Allele origin: not applicable. Functional consequence: retained intron. Not counted in ClinVar's aggregate classification.

Dr. Peter K. Rogan Lab, Western University
No classification provided (evidence only). Condition: Malignant tumor of esophagus. Review status: no classification provided. Collection method: in vitro. Allele origin: not applicable. Functional consequence: retained intron. Not counted in ClinVar's aggregate classification.

Dr. Peter K. Rogan Lab, Western University
No classification provided (evidence only). Condition: Malignant tumor of esophagus. Review status: no classification provided. Collection method: in vitro. Allele origin: not applicable. Functional consequence: retained intron. Not counted in ClinVar's aggregate classification.